The following is an entry in ClinVar:

NM_015164.4(PLEKHM2):c.607A>G (p.Thr203Ala)

Gene: PLEKHM2 (pleckstrin homology and RUN domain containing M2; plus strand). Cytogenetic location: 1p36.21.
Variant type: single nucleotide variant.
Coding change: c.607A>G on transcript NM_015164.4 (MANE Select); coding-DNA position 607, A replaced by G.
Protein change: p.Thr203Ala; replaces threonine 203 with alanine.
Molecular consequence: missense variant.
Genome position (GRCh38, 1-based): chr1:15,719,875, A>G. VCF-style: chr1-15719875-A-G. GRCh37 (hg19) VCF-style: chr1-16046370-A-G.
Other names: c.607A>G, p.Thr203Ala (NM_001410755.1); short protein forms T203A.
Identifiers: ClinVar variation 2881751 (VCV002881751.3), dbSNP rs2522400268, ClinGen allele CA338581009.
Genomic context (GRCh38, chr1:15,719,875, plus strand): 5'-CCCAGCTCGGTCCACGGCTCAGACAGTCTGTCCCTCAACTCTTTCAACTCCGTCACCTCC[A>G]CCAACCTGGAGTGGGATGACAGTGCGATTGCCCCATCTAGTGAGGGTGAGTGGCCCCAGG-3'
Protein context (NP_055979.2, residues 193-213): SLNSFNSVTS[Thr203Ala]NLEWDDSAIA

ClinVar aggregate classification (germline): Uncertain significance (1 of 4 stars; one submission).

Submission:

Labcorp Genetics (formerly Invitae), Labcorp
Classification: Uncertain significance. Last evaluated: 2023-06-17. Review status: criteria provided, single submitter. Criteria: Invitae Variant Classification Sherloc (09022015). Collection method: clinical testing. Allele origin: germline.
Comment: This sequence change replaces threonine, which is neutral and polar, with alanine, which is neutral and non-polar, at codon 203 of the PLEKHM2 protein (p.Thr203Ala). This variant is not present in population databases (gnomAD no frequency). This variant has not been reported in the literature in individuals affected with PLEKHM2-related conditions. An algorithm developed to predict the effect of missense changes on protein structure and function (PolyPhen-2) suggests that this variant is likely to be tolerated. In summary, the available evidence is currently insufficient to determine the role of this variant in disease. Therefore, it has been classified as a Variant of Uncertain Significance.